The following is an entry in ClinVar:

ClinVar aggregate classification (germline): Uncertain significance (1 of 4 stars; one submission).

Conditions:
Wilms tumor 1 (WT1). Also called: Wilms tumor, somatic. Identifiers: Orphanet 654, MedGen CN033288, MONDO:0008679, OMIM 194070.
11p partial monosomy syndrome (WAGR). Also called: WAGR syndrome; WAGR Spectrum Disorder; CHROMOSOME 11p13 DELETION SYNDROME; WAGR Complex. Identifiers: Orphanet 893, MedGen C0206115, MONDO:0008681, OMIM 194072.
Frasier syndrome. Identifiers: Orphanet 347, MedGen C0950122, MeSH D052159, MONDO:0007635, OMIM 136680.
Drash syndrome (DDS). Also called: WILMS TUMOR AND PSEUDO- OR TRUE HERMAPHRODITISM; NEPHROPATHY, WILMS TUMOR, AND GENITAL ANOMALIES. Identifiers: Orphanet 220, MedGen C0950121, MONDO:0008682, OMIM 194080.

gnomAD v4.1: 1 of 1,612,476 alleles (0.000062%); highest among the groups gnomAD compares: Non-Finnish European, 0.000085%; no homozygotes.

Submission:

Labcorp Genetics (formerly Invitae), Labcorp
Classification: Uncertain significance for Wilms tumor 1; Drash syndrome; 11p partial monosomy syndrome; Frasier syndrome. Last evaluated: 2024-02-24. Review status: criteria provided, single submitter. Criteria: Invitae Variant Classification Sherloc (09022015). Collection method: clinical testing. Allele origin: germline.
Comment: This sequence change replaces threonine, which is neutral and polar, with isoleucine, which is neutral and non-polar, at codon 171 of the WT1 protein (p.Thr171Ile). This variant is not present in population databases (gnomAD no frequency). This variant has not been reported in the literature in individuals affected with WT1-related conditions. ClinVar contains an entry for this variant (Variation ID: 933906). An algorithm developed to predict the effect of missense changes on protein structure and function (PolyPhen-2) suggests that this variant is likely to be disruptive. In summary, the available evidence is currently insufficient to determine the role of this variant in disease. Therefore, it has been classified as a Variant of Uncertain Significance.

NM_024426.6(WT1):c.527C>T (p.Thr176Ile)

Genes: WT1 (WT1 transcription factor; minus strand), LOC107982234 (WT1/WT1-AS bi-directional promoter region; plus strand). Cytogenetic location: 11p13.
Variant type: single nucleotide variant.
Coding change: c.527C>T on transcript NM_024426.6 (MANE Select); coding-DNA position 527, C replaced by T.
Protein change: p.Thr176Ile; replaces threonine 176 with isoleucine.
Molecular consequence: missense variant. On other transcripts: non-coding transcript variant (1).
Genome position (GRCh38, 1-based): chr11:32,434,834, G>A on the plus strand (C>T on the coding strand, the complement: WT1 is on the minus strand). VCF-style: chr11-32434834-G-A. GRCh37 (hg19) VCF-style: chr11-32456380-G-A.
Other names: c.527C>T, p.Thr176Ile (NM_000378.6, NM_024424.5); short protein forms T176I.
Identifiers: ClinVar variation 933906 (VCV000933906.10), dbSNP rs1853442157, ClinGen allele CA379964768.
Genomic context (GRCh38, chr11:32,434,834, plus strand): 5'-CCGGATGACGCCTGGCTGGGCGGAGGAGGACCGAAGGGCCCGTAGCGACAGGCTCCGGCT[G>A]TGCCAGTGAACTGGCCGGAAAAGTGGACAGTGAAGGCGCTCAGGCACTGCTCCTCGTGCG-3'
Protein context (NP_077744.4, residues 166-186): TVHFSGQFTG[Thr176Ile]AGACRYGPFG